The following is an entry in ClinVar:

ClinVar aggregate classification (germline): Uncertain significance (1 of 4 stars; one submission).

Conditions:
Familial thoracic aortic aneurysm and aortic dissection (TAAD). Also called: Thoracic aortic aneurysms and dissections. Identifiers: Orphanet 91387, MedGen C4707243, MONDO:0019625.

Submission:

Ambry Genetics
Classification: Uncertain significance for Familial thoracic aortic aneurysm and aortic dissection. Last evaluated: 2018-01-03. Review status: criteria provided, single submitter. Criteria: Ambry Variant Classification Scheme 2023. Collection method: clinical testing. Allele origin: germline.
Comment: The p.W547C variant (also known as c.1641G>C), located in coding exon 9 of the MYLK gene, results from a G to C substitution at nucleotide position 1641. The tryptophan at codon 547 is replaced by cysteine, an amino acid with highly dissimilar properties. This amino acid position is highly conserved in available vertebrate species. In addition, this alteration is predicted to be deleterious by in silico analysis. Since supporting evidence is limited at this time, the clinical significance of this alteration remains unclear.

NM_053025.4(MYLK):c.1641G>C (p.Trp547Cys)

Gene: MYLK (myosin light chain kinase; minus strand). Cytogenetic location: 3q21.1.
Variant type: single nucleotide variant.
Coding change: c.1641G>C on transcript NM_053025.4 (MANE Select); coding-DNA position 1641, G replaced by C.
Protein change: p.Trp547Cys; replaces tryptophan 547 with cysteine.
Molecular consequence: missense variant.
Genome position (GRCh38, 1-based): chr3:123,725,954, C>G on the plus strand (G>C on the coding strand, the complement: MYLK is on the minus strand). VCF-style: chr3-123725954-C-G. GRCh37 (hg19) VCF-style: chr3-123444801-C-G.
Other names: c.1113G>C, p.Trp371Cys (NM_001321309.2); c.1434G>C, p.Trp478Cys (NM_053026.4, NM_053028.4); c.1641G>C, p.Trp547Cys (NM_053027.4); short protein forms W547C, W371C, W478C.
Identifiers: ClinVar variation 1777063 (VCV001777063.2), dbSNP rs1212539612, ClinGen allele CA354235559.